The following is an entry in ClinVar:

ClinVar aggregate classification (germline): Uncertain significance. Review status: criteria provided, multiple submitters, no conflicts (2 of 4 stars). 2 submissions from 2 submitters: Uncertain significance (2). Last evaluated 2024-02-02.

Conditions:
Inborn genetic diseases. Identifiers: MedGen C0950123, MeSH D030342.

Submissions (2):

Labcorp Genetics (formerly Invitae), Labcorp
Classification: Uncertain significance. Last evaluated: 2024-02-02. Review status: criteria provided, single submitter. Criteria: Invitae Variant Classification Sherloc (09022015). Collection method: clinical testing. Allele origin: germline.
Comment: This sequence change replaces glutamic acid, which is acidic and polar, with glutamine, which is neutral and polar, at codon 1585 of the COL11A2 protein (p.Glu1585Gln). This variant is not present in population databases (gnomAD no frequency). This variant has not been reported in the literature in individuals affected with COL11A2-related conditions. ClinVar contains an entry for this variant (Variation ID: 2482160). Experimental studies and prediction algorithms are not available or were not evaluated, and the functional significance of this variant is currently unknown. In summary, the available evidence is currently insufficient to determine the role of this variant in disease. Therefore, it has been classified as a Variant of Uncertain Significance.

Ambry Genetics
Classification: Uncertain significance for Inborn genetic diseases. Last evaluated: 2023-02-07. Review status: criteria provided, single submitter. Criteria: Ambry Variant Classification Scheme 2023. Collection method: clinical testing. Allele origin: germline.

NM_080680.3(COL11A2):c.4753G>C (p.Glu1585Gln)

Gene: COL11A2 (collagen type XI alpha 2 chain; minus strand). Cytogenetic location: 6p21.32.
Variant type: single nucleotide variant.
Coding change: c.4753G>C on transcript NM_080680.3 (MANE Select); coding-DNA position 4753, G replaced by C.
Protein change: p.Glu1585Gln; replaces glutamic acid 1585 with glutamine.
Molecular consequence: missense variant.
Genome position (GRCh38, 1-based): chr6:33,164,962, C>G on the plus strand (G>C on the coding strand, the complement: COL11A2 is on the minus strand). VCF-style: chr6-33164962-C-G. GRCh37 (hg19) VCF-style: chr6-33132739-C-G.
Other names: c.4432G>C, p.Glu1478Gln (NM_080679.3); c.4495G>C, p.Glu1499Gln (NM_080681.3); short protein forms E1478Q, E1499Q, E1585Q.
Identifiers: ClinVar variation 2482160 (VCV002482160.4), dbSNP rs377234373, ClinGen allele CA137061758.